The following is an entry in ClinVar:

ClinVar aggregate classification (germline): Likely benign (1 of 4 stars; one submission).

Allele frequency attached by ClinVar (database versions not stated): ESP Exome Variant Server 0.00008; TOPMed 0.00008; 1000 Genomes Project 30x 0.00016; 1000 Genomes Project 0.00020.
gnomAD v4.1: 69 of 1,614,162 alleles (0.0043%); highest among the groups gnomAD compares: East Asian, 0.1%; no homozygotes.

Submission:

CeGaT Center for Human Genetics Tuebingen
Classification: Likely benign. Last evaluated: 2022-11-01. Review status: criteria provided, single submitter. Criteria: CeGaT Center For Human Genetics Tuebingen Variant Classification Criteria Version 2. Collection method: clinical testing. Allele origin: germline. Affected: yes. Observed: 1 variant allele.
Comment: TANC1: BP4, BP7

NM_033394.3(TANC1):c.3402C>T (p.Arg1134=)

Gene: TANC1 (tetratricopeptide repeat, ankyrin repeat and coiled-coil containing 1; plus strand). Cytogenetic location: 2q24.2.
Variant type: single nucleotide variant.
Coding change: c.3402C>T on transcript NM_033394.3 (MANE Select); coding-DNA position 3402, C replaced by T.
Protein change: p.Arg1134=; no amino-acid change (arginine 1134 retained).
Molecular consequence: synonymous variant.
Genome position (GRCh38, 1-based): chr2:159,219,261, C>T. VCF-style: chr2-159219261-C-T. GRCh37 (hg19) VCF-style: chr2-160075772-C-T.
Other names: c.3378C>T, p.Arg1126= (NM_001145909.2); c.2799C>T, p.Arg933= (NM_001350062.2); c.3033C>T, p.Arg1011= (NM_001350063.2); c.3381C>T, p.Arg1127= (NM_001350064.2, NM_001350065.2).
Identifiers: ClinVar variation 2651453 (VCV002651453.24), dbSNP rs182262741, ClinGen allele CA1922625.
Genomic context (GRCh38, chr2:159,219,261, plus strand): 5'-GCAGCAGGAGGATGGTAATTCCAAATGTCTCTTCCAGATTGTTAGACTGCTGTTGGAACG[C>T]GGCTGTGATGTGAACCTAAGTGACAAGCAAGGCCGGACGCCCCTCATGGTGGCTGCTTGT-3'
Protein context (NP_203752.2, residues 1124-1144): HWQIVRLLLE[Arg1134=]GCDVNLSDKQ